The following is an entry in ClinVar:

NM_013275.6(ANKRD11):c.4196C>A (p.Ala1399Glu)

Gene: ANKRD11 (ankyrin repeat domain 11; minus strand). Cytogenetic location: 16q24.3.
Variant type: single nucleotide variant.
Coding change: c.4196C>A on transcript NM_013275.6 (MANE Select); coding-DNA position 4196, C replaced by A.
Protein change: p.Ala1399Glu; replaces alanine 1399 with glutamic acid.
Molecular consequence: missense variant.
Genome position (GRCh38, 1-based): chr16:89,282,346, G>T on the plus strand (C>A on the coding strand, the complement: ANKRD11 is on the minus strand). VCF-style: chr16-89282346-G-T. GRCh37 (hg19) VCF-style: chr16-89348754-G-T.
Other names: c.4196C>A, p.Ala1399Glu (NM_001256182.2, NM_001256183.2); short protein forms A1399E.
Identifiers: ClinVar variation 3609760 (VCV003609760.2).

ClinVar aggregate classification (germline): Uncertain significance (1 of 4 stars; one submission).

Conditions:
KBG syndrome (KBGS). Also called: ANKRD11-Related KBG Syndrome. Identifiers: Orphanet 2332, MedGen C0220687, MONDO:0007846, OMIM 148050.

Submission:

Labcorp Genetics (formerly Invitae), Labcorp
Classification: Uncertain significance for KBG syndrome. Last evaluated: 2024-10-20. Review status: criteria provided, single submitter. Criteria: Invitae Variant Classification Sherloc (09022015). Collection method: clinical testing. Allele origin: germline.
Comment: This sequence change replaces alanine, which is neutral and non-polar, with glutamic acid, which is acidic and polar, at codon 1399 of the ANKRD11 protein (p.Ala1399Glu). This variant is not present in population databases (gnomAD no frequency). This missense change has been observed in individual(s) with ANKRD11-related conditions (PMID: 31501239). Invitae Evidence Modeling of protein sequence and biophysical properties (such as structural, functional, and spatial information, amino acid conservation, physicochemical variation, residue mobility, and thermodynamic stability) indicates that this missense variant is not expected to disrupt ANKRD11 protein function with a negative predictive value of 95%. In summary, the available evidence is currently insufficient to determine the role of this variant in disease. Therefore, it has been classified as a Variant of Uncertain Significance.

Literature cited by the submitters: PubMed 31501239.